The following is an entry in ClinVar:

ClinVar aggregate classification (germline): Uncertain significance (1 of 4 stars; one submission).

Conditions:
Inborn genetic diseases. Identifiers: MedGen C0950123, MeSH D030342.

gnomAD v4.1: 1 of 1,609,448 alleles (0.000062%); highest among the groups gnomAD compares: Non-Finnish European, 0.000085%; no homozygotes.

Submission:

Ambry Genetics
Classification: Uncertain significance for Inborn genetic diseases. Last evaluated: 2026-01-18. Review status: criteria provided, single submitter. Criteria: Ambry Variant Classification Scheme 2023. Collection method: clinical testing. Allele origin: germline.
Comment: The p.C837W variant (also known as c.2511T>G), located in coding exon 27 of the FANCA gene, results from a T to G substitution at nucleotide position 2511. The cysteine at codon 837 is replaced by tryptophan, an amino acid with highly dissimilar properties. This amino acid position is conserved. In addition, the in silico prediction for this alteration is inconclusive. Based on the available evidence, the clinical significance of this variant remains unclear.

NM_000135.4(FANCA):c.2511T>G (p.Cys837Trp)

Gene: FANCA (FA complementation group A; minus strand). Cytogenetic location: 16q24.3.
Variant type: single nucleotide variant.
Coding change: c.2511T>G on transcript NM_000135.4 (MANE Select); coding-DNA position 2511, T replaced by G.
Protein change: p.Cys837Trp; replaces cysteine 837 with tryptophan.
Molecular consequence: missense variant.
Genome position (GRCh38, 1-based): chr16:89,767,231, A>C on the plus strand (T>G on the coding strand, the complement: FANCA is on the minus strand). VCF-style: chr16-89767231-A-C. GRCh37 (hg19) VCF-style: chr16-89833639-A-C.
Other names: c.2511T>G, p.Cys837Trp (NM_001286167.3); short protein forms C837W.
Identifiers: ClinVar variation 4824581 (VCV004824581.1).